The following is an entry in ClinVar:

ClinVar aggregate classification (germline): Uncertain significance (1 of 4 stars; one submission).

gnomAD v4.1: 2 of 1,613,984 alleles (0.00012%); highest among the groups gnomAD compares: African/African-American, 0.0027%; no homozygotes.

Submission:

Labcorp Genetics (formerly Invitae), Labcorp
Classification: Uncertain significance. Last evaluated: 2022-07-05. Review status: criteria provided, single submitter. Criteria: Invitae Variant Classification Sherloc (09022015). Collection method: clinical testing. Allele origin: germline.
Comment: In summary, the available evidence is currently insufficient to determine the role of this variant in disease. Therefore, it has been classified as a Variant of Uncertain Significance. Algorithms developed to predict the effect of missense changes on protein structure and function output the following: SIFT: "Tolerated"; PolyPhen-2: "Benign"; Align-GVGD: "Class C0". The leucine amino acid residue is found in multiple mammalian species, which suggests that this missense change does not adversely affect protein function. This variant has not been reported in the literature in individuals affected with IMPG2-related conditions. This variant is present in population databases (rs140621379, gnomAD 0.007%). This sequence change replaces valine, which is neutral and non-polar, with leucine, which is neutral and non-polar, at codon 1109 of the IMPG2 protein (p.Val1109Leu).

NM_016247.4(IMPG2):c.3325G>C (p.Val1109Leu)

Gene: IMPG2 (interphotoreceptor matrix proteoglycan 2; minus strand). Cytogenetic location: 3q12.3.
Variant type: single nucleotide variant.
Coding change: c.3325G>C on transcript NM_016247.4 (MANE Select); coding-DNA position 3325, G replaced by C.
Protein change: p.Val1109Leu; replaces valine 1109 with leucine.
Molecular consequence: missense variant.
Genome position (GRCh38, 1-based): chr3:101,231,054, C>G on the plus strand (G>C on the coding strand, the complement: IMPG2 is on the minus strand). VCF-style: chr3-101231054-C-G. GRCh37 (hg19) VCF-style: chr3-100949898-C-G.
Other names: short protein forms V1109L.
Identifiers: ClinVar variation 1962805 (VCV001962805.5), dbSNP rs140621379, ClinGen allele CA2518783.